The following is an entry in ClinVar:

ClinVar aggregate classification (germline): Conflicting classifications of pathogenicity. Review status: criteria provided, conflicting classifications (1 of 4 stars). 7 submissions from 7 submitters: Pathogenic (2); Likely pathogenic (2); Uncertain significance (3). Last evaluated 2025-09-24.

Conditions:
Wilson disease (WND). Also called: Wilson's disease. Identifiers: Orphanet 905, MedGen C0019202, MONDO:0010200, OMIM 277900. Disease mechanism: loss of function.

Allele frequency attached by ClinVar (database versions not stated): gnomAD exomes below 0.00001 and 0.00002.
gnomAD v4.1: 12 of 1,614,050 alleles (0.00074%); highest among the groups gnomAD compares: Admixed American, 0.02%; no homozygotes.

Submissions (7):

Women's Health and Genetics/Laboratory Corporation of America, LabCorp
Classification: Likely pathogenic for Wilson disease. Last evaluated: 2025-09-24. Review status: criteria provided, single submitter. Criteria: LabCorp Variant Classification Summary - May 2015. Collection method: clinical testing. Allele origin: germline.
Comment: Variant summary: ATP7B c.3139G>T (p.Asp1047Tyr) results in a non-conservative amino acid change located in the P-type ATPase, haloacid dehalogenase domain (IPR044492) of the encoded protein sequence. Algorithms developed to predict the effect of missense changes on protein structure and function all suggest that this variant is likely to be disruptive. The variant allele was found at a frequency of 4e-06 in 249224 control chromosomes. c.3139G>T has been observed in individual(s) affected with Wilson Disease (Labcorp Genetics (formerly Invitae)). A different variant affecting the same codon has been classified as likely pathogenic/pathogenic by our lab (c.3140A>T, p.Asp1047Val), supporting the critical relevance of codon 1047 to ATP7B protein function. To our knowledge, no experimental evidence demonstrating an impact on protein function has been reported. ClinVar contains an entry for this variant (Variation ID: 654991). Based on the evidence outlined above, the variant was classified as likely pathogenic.

Labcorp Genetics (formerly Invitae), Labcorp
Classification: Pathogenic for Wilson disease. Last evaluated: 2025-06-27. Review status: criteria provided, single submitter. Criteria: Invitae Variant Classification Sherloc (09022015). Collection method: clinical testing. Allele origin: germline.
Comment: This sequence change replaces aspartic acid, which is acidic and polar, with tyrosine, which is neutral and polar, at codon 1047 of the ATP7B protein (p.Asp1047Tyr). This variant is present in population databases (no rsID available, gnomAD 0.003%). This missense change has been observed in individual(s) with clinical features of Wilson disease (internal data). In at least one individual the data is consistent with being in trans (on the opposite chromosome) from a pathogenic variant. ClinVar contains an entry for this variant (Variation ID: 654991). Invitae Evidence Modeling of protein sequence and biophysical properties (such as structural, functional, and spatial information, amino acid conservation, physicochemical variation, residue mobility, and thermodynamic stability) indicates that this missense variant is not expected to disrupt ATP7B protein function with a negative predictive value of 80%. This variant disrupts the p.Asp1047 amino acid residue in ATP7B. Other variant(s) that disrupt this residue have been determined to be pathogenic (PMID: 23843956, 27022412, 27398169, 30384382). This suggests that this residue is clinically significant, and that variants that disrupt this residue are likely to be disease-causing. For these reasons, this variant has been classified as Pathogenic.

Dasa
Classification: Pathogenic. Last evaluated: 2025-04-30. Review status: criteria provided, single submitter. Criteria: DASA Assertion Criteria. Collection method: clinical testing. Allele origin: germline.
Comment: NM_000053.4(ATP7B):c.3139G>T (p.Asp1047Tyr) is a missense variant that results in the substitution of aspartic acid with tyrosine. The affected residue or protein region has prior evidence supporting clinical relevance. This variant has been observed in affected individuals with related phenotype in a genotype context consistent with recessive disease. The variant is present at low frequency in population datasets. Based on the available data, this variant is classified as pathogenic.

All of Us Research Program, National Institutes of Health
Classification: Uncertain significance for Wilson disease. Last evaluated: 2024-05-30. Review status: criteria provided, single submitter. Criteria: ACMG Guidelines, 2015. Collection method: clinical testing. Allele origin: germline. Inheritance: Autosomal recessive inheritance. Observed: 1 variant allele, 1 heterozygote.
Comment: This missense variant replaces aspartic acid with tyrosine at codon 1047 of the ATP7B protein. Computational prediction is inconclusive regarding the impact of this variant on protein structure and function. To our knowledge, functional studies have not been reported for this variant. This variant has been observed in the compound heterozygous state in an individual affected with autosomal recessive Wilson disease (ClinVar SCV000951317.6), indicating that this variant contributes to disease. This variant has been identified in 1/249224 chromosomes in the general population by the Genome Aggregation Database (gnomAD). A different variant occurring at the same codon, p.Asp1047Val, has been classified as pathogenic (ClinVar Variation ID: 1075644), indicating that aspartic acid at this position is important for ATP7B protein function. Although there is a suspicion that p.Asp1047Tyr may be associated with disease, additional studies are necessary to determine the role of this variant in disease conclusively. Therefore, this variant is classified as a Variant of Uncertain Significance.

This study involves interpretation of variants in research participants for the purpose of population health screening. Participant phenotype was not available at the time of variant classification. Additional details can be found in publication PMID: 35346344, PMCID: PMC8962531

Color Diagnostics, LLC DBA Color Health
Classification: Uncertain significance for Wilson disease. Last evaluated: 2024-04-12. Review status: criteria provided, single submitter. Criteria: ACMG Guidelines, 2015. Collection method: clinical testing. Allele origin: germline.
Comment: This missense variant replaces aspartic acid with tyrosine at codon 1047 of the ATP7B protein. Computational prediction is inconclusive regarding the impact of this variant on protein structure and function. To our knowledge, functional studies have not been reported for this variant. This variant has been observed in the compound heterozygous state in an individual affected with autosomal recessive Wilson disease (ClinVar SCV000951317.6), indicating that this variant contributes to disease. This variant has been identified in 1/249224 chromosomes in the general population by the Genome Aggregation Database (gnomAD). A different variant occurring at the same codon, p.Asp1047Val, has been classified as pathogenic (ClinVar Variation ID: 1075644), indicating that aspartic acid at this position is important for ATP7B protein function. Although there is a suspicion that p.Asp1047Tyr may be associated with disease, additional studies are necessary to determine the role of this variant in disease conclusively. Therefore, this variant is classified as a Variant of Uncertain Significance.

Fulgent Genetics
Classification: Likely pathogenic for Wilson disease. Last evaluated: 2024-04-05. Review status: criteria provided, single submitter. Criteria: ACMG Guidelines, 2015. Collection method: clinical testing. Allele origin: germline.

Mayo Clinic Laboratories, Mayo Clinic
Classification: Uncertain significance. Last evaluated: 2023-01-17. Review status: criteria provided, single submitter. Criteria: ACMG Guidelines, 2015. Collection method: clinical testing. Allele origin: germline. Observed: 1 variant allele.
Comment: PM2, PM5

Literature cited by the submitters: PubMed 23843956 (cited by Labcorp Genetics (formerly Invitae), Labcorp); PubMed 27022412 (cited by Labcorp Genetics (formerly Invitae), Labcorp); PubMed 27398169 (cited by Labcorp Genetics (formerly Invitae), Labcorp); PubMed 30384382 (cited by Labcorp Genetics (formerly Invitae), Labcorp).

NM_000053.4(ATP7B):c.3139G>T (p.Asp1047Tyr)

Gene: ATP7B (ATPase copper transporting beta; minus strand). Cytogenetic location: 13q14.3.
Variant type: single nucleotide variant.
Coding change: c.3139G>T on transcript NM_000053.4 (MANE Select); coding-DNA position 3139, G replaced by T.
Protein change: p.Asp1047Tyr; replaces aspartic acid 1047 with tyrosine.
Molecular consequence: missense variant.
Genome position (GRCh38, 1-based): chr13:51,944,213, C>A on the plus strand (G>T on the coding strand, the complement: ATP7B is on the minus strand). VCF-style: chr13-51944213-C-A. GRCh37 (hg19) VCF-style: chr13-52518349-C-A.
Other names: p.Asp1047Tyr; c.2518G>T, p.Asp840Tyr (NM_001005918.3); c.2806G>T, p.Asp936Tyr (NM_001243182.2); c.2905G>T, p.Asp969Tyr (NM_001330578.2); c.2887G>T, p.Asp963Tyr (NM_001330579.2); short protein forms D963Y, D840Y, D969Y, D1047Y, D936Y.
Identifiers: ClinVar variation 654991 (VCV000654991.17), dbSNP rs1441316018, ClinGen allele CA388030195.